The following is an entry in ClinVar:

NC_000017.10:g.(78091549_78091991)_(78092157_78092451)del

Gene: GAA (alpha glucosidase; plus strand). Cytogenetic location: 17q25.3.
Variant type: Deletion.
Identifiers: ClinVar variation 2501046 (VCV002501046.1).

ClinVar aggregate classification (germline): Pathogenic (1 of 4 stars; one submission).

Conditions:
Glycogen storage disease, type II (IOPD). Also called: Pompe Disease; Glycogen storage disease type 2; Acid maltase deficiency disease; Aglucosidase alfa; Deficiency of alpha-glucosidase; Deficiency of lysosomal alpha-glucosidase. Identifiers: Orphanet 365, MedGen C0017921, MONDO:0009290, OMIM 232300.

Submission:

Women's Health and Genetics/Laboratory Corporation of America, LabCorp
Classification: Pathogenic for Glycogen storage disease, type II. Last evaluated: 2023-03-15. Review status: criteria provided, single submitter. Criteria: LabCorp Variant Classification Summary - May 2015. Collection method: clinical testing. Allele origin: germline.
Comment: Variant summary: The variant identified by MLPA or other technology involves the deletion of exon 18 in the GAA gene. A presumed nomenclature of c.(2481+1_2482-1)_(2646+1_2647-1)del has been designated for the purposes of this classification. It is expected to result in a large in-frame deletion change in the GAA gene, a known mechanism of disease. An exon 18 deletion allele was found at a frequency of 4.6e-05 in 21694 control chromosomes (gnomAD, Structural Variants dataset). Deletion of exon 18 has been reported in the literature in multiple individuals affected with Glycogen Storage Disease, Type 2 (Pompe Disease) (e.g. Huie_1994, Van der Kraan_1994, Vanherpe_2020). These data indicate that the variant is very likely to be associated with disease. Three submitters have provided clinical-significance assessments for exon 18 deletion variants to ClinVar after 2014 , and all laboratories classified the variant as pathogenic. Based on the evidence outlined above, the variant was classified as pathogenic.

Literature cited by the submitters: PubMed 7945303; PubMed 32248831; PubMed 7981676.